The following is an entry in ClinVar:

ClinVar aggregate classification (germline): Likely benign. Review status: criteria provided, multiple submitters, no conflicts (2 of 4 stars). 2 submissions from 2 submitters: Likely benign (2). Last evaluated 2025-07-21.

Conditions:
Familial cancer of breast. Also called: BREAST CANCER, FAMILIAL; hereditary breast carcinoma; Hereditary breast cancer. Identifiers: Orphanet 227535, MedGen C0346153, MONDO:0016419, OMIM 114480. Disease mechanism: loss of function.

Allele frequency attached by ClinVar (database versions not stated): gnomAD exomes below 0.00001; gnomAD 0.00001; TOPMed 0.00001.

Submissions (2):

Labcorp Genetics (formerly Invitae), Labcorp
Classification: Likely benign for Familial cancer of breast. Last evaluated: 2025-07-21. Review status: criteria provided, single submitter. Criteria: Invitae Variant Classification Sherloc (09022015). Collection method: clinical testing. Allele origin: germline.

Myriad Genetics, Inc.
Classification: Likely benign for Familial cancer of breast. Last evaluated: 2025-01-21. Review status: criteria provided, single submitter. Criteria: Myriad Autosomal Dominant, Autosomal Recessive and X-Linked Classification Criteria (2023). Collection method: clinical testing. Allele origin: unknown.
Comment: This variant is considered likely benign. This variant is intronic and is not expected to impact mRNA splicing.

NM_024675.4(PALB2):c.2996+9A>G

Gene: PALB2 (partner and localizer of BRCA2; minus strand). Cytogenetic location: 16p12.2.
Variant type: single nucleotide variant.
Coding change: c.2996+9A>G on transcript NM_024675.4 (MANE Select); 9 bases into the intron after coding-DNA position 2996, A replaced by G.
Molecular consequence: intron variant.
Genome position (GRCh38, 1-based): chr16:23,622,960, T>C on the plus strand (A>G on the coding strand, the complement: PALB2 is on the minus strand). VCF-style: chr16-23622960-T-C. GRCh37 (hg19) VCF-style: chr16-23634281-T-C.
Identifiers: ClinVar variation 742659 (VCV000742659.12), dbSNP rs1168172644, ClinGen allele CA621661651.